The following is an entry in ClinVar:

NM_000355.4(TCN2):c.244C>T (p.Gln82Ter)

Gene: TCN2 (transcobalamin 2; plus strand). Cytogenetic location: 22q12.2.
Variant type: single nucleotide variant.
Coding change: c.244C>T on transcript NM_000355.4 (MANE Select); coding-DNA position 244, C replaced by T.
Protein change: p.Gln82Ter; replaces glutamine 82 with a stop codon.
Molecular consequence: nonsense.
Genome position (GRCh38, 1-based): chr22:30,611,050, C>T. VCF-style: chr22-30611050-C-T. GRCh37 (hg19) VCF-style: chr22-31007037-C-T.
Other names: c.244C>T, p.Gln82Ter (NM_001184726.2); short protein forms Q82*.
Identifiers: ClinVar variation 4735601 (VCV004735601.2).

ClinVar aggregate classification (germline): Pathogenic (1 of 4 stars; one submission).

Conditions:
Transcobalamin II deficiency (TCN2D). Also called: Transcolabamin II deficiency; TC II DEFICIENCY; TCN2 DEFICIENCY. Identifiers: Orphanet 859, MedGen C0342701, MONDO:0010149, OMIM 275350.

Submission:

Labcorp Genetics (formerly Invitae), Labcorp
Classification: Pathogenic for Transcobalamin II deficiency. Last evaluated: 2026-01-18. Review status: criteria provided, single submitter. Criteria: Invitae Variant Classification Sherloc (09022015). Collection method: clinical testing. Allele origin: germline.
Comment: This sequence change creates a premature translational stop signal (p.Gln82*) in the TCN2 gene. It is expected to result in an absent or disrupted protein product. Loss-of-function variants in TCN2 are known to be pathogenic (PMID: 7980584, 20352340). This variant is not present in population databases (gnomAD no frequency). This variant has not been reported in the literature in individuals affected with TCN2-related conditions. Algorithms developed to predict the effect of sequence changes on RNA splicing suggest that this variant may disrupt the consensus splice site. For these reasons, this variant has been classified as Pathogenic.

Literature cited by the submitters: PubMed 7980584; PubMed 20352340.